The following is an entry in ClinVar:

ClinVar aggregate classification (germline): Likely benign. Review status: criteria provided, multiple submitters, no conflicts (2 of 4 stars). 3 submissions from 3 submitters: Likely benign (3). Last evaluated 2026-08-01.

Allele frequency attached by ClinVar (database versions not stated): gnomAD 0.00059; gnomAD exomes 0.00062 and 0.00071; ExAC 0.00079.

Submissions (3):

CeGaT Center for Human Genetics Tuebingen
Classification: Likely benign. Last evaluated: 2026-08-01. Review status: criteria provided, single submitter. Criteria: CeGaT Center For Human Genetics Tuebingen Variant Classification Criteria Version 2. Collection method: clinical testing. Allele origin: germline. Affected: yes. Observed: 8 variant alleles.
Comment: FMN2: BP4, BP7

Blueprint Genetics
Classification: Likely benign. Last evaluated: 2024-11-12. Review status: criteria provided, single submitter. Criteria: ACMG Guidelines, 2015. Collection method: clinical testing. Allele origin: germline.

Breakthrough Genomics
Classification: Likely benign. Review status: criteria provided, single submitter. Criteria: ACMG Guidelines, 2015. Collection method: not provided. Allele origin: germline. Inheritance: Autosomal recessive inheritance. Affected: yes.

NM_020066.5(FMN2):c.2910T>A (p.Leu970=)

Gene: FMN2 (formin 2; plus strand). Cytogenetic location: 1q43.
Variant type: single nucleotide variant.
Coding change: c.2910T>A on transcript NM_020066.5 (MANE Select); coding-DNA position 2910, T replaced by A.
Protein change: p.Leu970=; no amino-acid change (leucine 970 retained).
Molecular consequence: synonymous variant. On other transcripts: intron variant (1).
Genome position (GRCh38, 1-based): chr1:240,207,722, T>A. VCF-style: chr1-240207722-T-A. GRCh37 (hg19) VCF-style: chr1-240371022-T-A.
Other names: c.2922T>A, p.Leu974= (NM_001305424.2); c.1986+19460T>A (NM_001348094.2).
Identifiers: ClinVar variation 916383 (VCV000916383.42), dbSNP rs1176366601, ClinGen allele CA1476877.